The following is an entry in ClinVar:

NM_001136191.3(KANK2):c.1958C>T (p.Ala653Val)

Gene: KANK2 (KN motif and ankyrin repeat domains 2; minus strand). Cytogenetic location: 19p13.2.
Variant type: single nucleotide variant.
Coding change: c.1958C>T on transcript NM_001136191.3 (MANE Select); coding-DNA position 1958, C replaced by T.
Protein change: p.Ala653Val; replaces alanine 653 with valine.
Molecular consequence: missense variant.
Genome position (GRCh38, 1-based): chr19:11,174,583, G>A on the plus strand (C>T on the coding strand, the complement: KANK2 is on the minus strand). VCF-style: chr19-11174583-G-A. GRCh37 (hg19) VCF-style: chr19-11285259-G-A.
Other names: c.1958C>T, p.Ala653Val (NM_001329451.2, NM_001379555.1, NM_001379556.1 and 7 more transcripts); c.1982C>T, p.Ala661Val (NM_001379548.1, NM_001379549.1, NM_001379550.1 and 5 more transcripts); short protein forms A653V, A661V.
Identifiers: ClinVar variation 2054861 (VCV002054861.5), dbSNP rs145082533, ClinGen allele CA9205446.

ClinVar aggregate classification (germline): Uncertain significance. Review status: criteria provided, multiple submitters, no conflicts (2 of 4 stars). 2 submissions from 2 submitters: Uncertain significance (2). Last evaluated 2025-05-05.

Allele frequency attached by ClinVar (database versions not stated): gnomAD exomes 0.00013; ExAC 0.00014; gnomAD 0.00020; TOPMed 0.00027; ESP Exome Variant Server 0.00031.
gnomAD v4.1: 218 of 1,613,116 alleles (0.014%); highest among the groups gnomAD compares: African/African-American, 0.045%; no homozygotes.

Submissions (2):

Labcorp Genetics (formerly Invitae), Labcorp
Classification: Uncertain significance. Last evaluated: 2025-05-05. Review status: criteria provided, single submitter. Criteria: Invitae Variant Classification Sherloc (09022015). Collection method: clinical testing. Allele origin: germline.
Comment: This sequence change replaces alanine, which is neutral and non-polar, with valine, which is neutral and non-polar, at codon 653 of the KANK2 protein (p.Ala653Val). This variant is present in population databases (rs145082533, gnomAD 0.04%). This variant has not been reported in the literature in individuals affected with KANK2-related conditions. ClinVar contains an entry for this variant (Variation ID: 2054861). An algorithm developed to predict the effect of missense changes on protein structure and function outputs the following: PolyPhen-2: "Benign". The valine amino acid residue is found in multiple mammalian species, which suggests that this missense change does not adversely affect protein function. In summary, the available evidence is currently insufficient to determine the role of this variant in disease. Therefore, it has been classified as a Variant of Uncertain Significance.

Blueprint Genetics
Classification: Uncertain significance. Last evaluated: 2022-06-29. Review status: criteria provided, single submitter. Criteria: ACMG Guidelines, 2015. Collection method: clinical testing. Allele origin: germline.